The following is an entry in ClinVar:

NM_000245.4(MET):c.2766A>G (p.Lys922=)

Gene: MET (MET proto-oncogene, receptor tyrosine kinase; plus strand). Cytogenetic location: 7q31.2.
Variant type: single nucleotide variant.
Coding change: c.2766A>G on transcript NM_000245.4 (MANE Select); coding-DNA position 2766, A replaced by G.
Protein change: p.Lys922=; no amino-acid change (lysine 922 retained).
Molecular consequence: synonymous variant.
Genome position (GRCh38, 1-based): chr7:116,771,533, A>G. VCF-style: chr7-116771533-A-G. GRCh37 (hg19) VCF-style: chr7-116411587-A-G.
Other names: c.2820A>G, p.Lys940= (NM_001127500.3); c.1476A>G, p.Lys492= (NM_001324402.2).
Identifiers: ClinVar variation 1796442 (VCV001796442.9), dbSNP rs1794832170, ClinGen allele CA457218168.

ClinVar aggregate classification (germline): Uncertain significance. Review status: criteria provided, multiple submitters, no conflicts (2 of 4 stars). 3 submissions from 3 submitters: Uncertain significance (3). Last evaluated 2024-12-04.

Conditions:
Hereditary cancer-predisposing syndrome. Also called: Tumor predisposition; Hereditary Cancer Syndrome; Neoplastic Syndromes, Hereditary; Hereditary neoplastic syndrome. Identifiers: Orphanet 140162, MedGen C0027672, MeSH D009386, MONDO:0015356.
Osteofibrous dysplasia (OSFD). Also called: Tibia, bowing of, with pseudarthrosis and pectus excavatum. Identifiers: Orphanet 488265, MedGen C4085248, MONDO:0011806, OMIM 607278.
Arthrogryposis, distal, IIa 11. Also called: Arthrogryposis, distal, type 11. Identifiers: MedGen C5774205, MONDO:0031045, OMIM 620019.
Papillary renal cell carcinoma type 1 (RCCP1). Also called: RENAL CELL CARCINOMA, PAPILLARY, 1, SOMATIC; Renal adenocarcinoma; Renal cell carcinoma 1; Renal cell carcinoma, somatic. Identifiers: Orphanet 47044, MedGen C1336839, OMIM 605074, HP:0011797.
Hepatocellular carcinoma (HCC). Also called: Primary carcinoma of liver; HEPATOMA; LIVER CELL CARCINOMA. Identifiers: Orphanet 88673, MedGen C2239176, MONDO:0007256, OMIM 114550, HP:0001402.
Autosomal recessive nonsyndromic hearing loss 97. Also called: Deafness, autosomal recessive 97. Identifiers: Orphanet 90636, MedGen C4084709, MONDO:0014739, OMIM 616705.
Renal cell carcinoma. Identifiers: Orphanet 217071, MedGen C0007134, MeSH D002292, MONDO:0005086, HP:0005584.

Allele frequency attached by ClinVar (database versions not stated): gnomAD exomes below 0.00001.
gnomAD v4.1: 7 of 1,613,910 alleles (0.00043%); highest among the groups gnomAD compares: Middle Eastern, 0.083%; no homozygotes.

Submissions (3):

Labcorp Genetics (formerly Invitae), Labcorp
Classification: Uncertain significance for Renal cell carcinoma. Last evaluated: 2024-12-04. Review status: criteria provided, single submitter. Criteria: Invitae Variant Classification Sherloc (09022015). Collection method: clinical testing. Allele origin: germline.
Comment: This sequence change affects codon 940 of the MET mRNA. It is a 'silent' change, meaning that it does not change the encoded amino acid sequence of the MET protein. This variant is not present in population databases (gnomAD no frequency). This variant has not been reported in the literature in individuals affected with MET-related conditions. ClinVar contains an entry for this variant (Variation ID: 1796442). Algorithms developed to predict the effect of sequence changes on RNA splicing suggest that this variant may disrupt the consensus splice site. In summary, the available evidence is currently insufficient to determine the role of this variant in disease. Therefore, it has been classified as a Variant of Uncertain Significance.

Ambry Genetics
Classification: Uncertain significance for Hereditary cancer-predisposing syndrome. Last evaluated: 2024-07-05. Review status: criteria provided, single submitter. Criteria: Ambry Variant Classification Scheme 2023. Collection method: clinical testing. Allele origin: germline.
Comment: The c.2820A>G variant (also known as p.K940K), located in coding exon 12 of the MET gene, results from an A to G substitution at nucleotide position 2820. This nucleotide substitution does not change the at codon 940. This nucleotide position is well conserved in available vertebrate species. In silico splice site analysis predicts that this alteration will result in the creation or strengthening of a novel splice donor site. Since supporting evidence is limited at this time, the clinical significance of this alteration remains unclear.

Fulgent Genetics
Classification: Uncertain significance for Hepatocellular carcinoma; Papillary renal cell carcinoma type 1; Osteofibrous dysplasia; Autosomal recessive nonsyndromic hearing loss 97; Arthrogryposis, distal, IIa 11. Last evaluated: 2023-12-29. Review status: criteria provided, single submitter. Criteria: ACMG Guidelines, 2015. Collection method: clinical testing. Allele origin: germline.